The following is an entry in ClinVar:

ClinVar aggregate classification (germline): Uncertain significance (1 of 4 stars; one submission).

Allele frequency attached by ClinVar (database versions not stated): TOPMed 0.00001.

Submission:

Labcorp Genetics (formerly Invitae), Labcorp
Classification: Uncertain significance. Last evaluated: 2023-12-22. Review status: criteria provided, single submitter. Criteria: Invitae Variant Classification Sherloc (09022015). Collection method: clinical testing. Allele origin: germline.
Comment: This sequence change replaces glycine, which is neutral and non-polar, with serine, which is neutral and polar, at codon 356 of the SEC24D protein (p.Gly356Ser). The frequency data for this variant in the population databases is considered unreliable, as metrics indicate poor data quality at this position in the gnomAD database. This variant has not been reported in the literature in individuals affected with SEC24D-related conditions. ClinVar contains an entry for this variant (Variation ID: 1390134). An algorithm developed to predict the effect of missense changes on protein structure and function (PolyPhen-2) suggests that this variant is likely to be disruptive. In summary, the available evidence is currently insufficient to determine the role of this variant in disease. Therefore, it has been classified as a Variant of Uncertain Significance.

NM_014822.4(SEC24D):c.1066G>A (p.Gly356Ser)

Gene: SEC24D (SEC24 homolog D, COPII component; minus strand). Cytogenetic location: 4q26.
Variant type: single nucleotide variant.
Coding change: c.1066G>A on transcript NM_014822.4 (MANE Select); coding-DNA position 1066, G replaced by A.
Protein change: p.Gly356Ser; replaces glycine 356 with serine.
Molecular consequence: missense variant.
Genome position (GRCh38, 1-based): chr4:118,768,287, C>T on the plus strand (G>A on the coding strand, the complement: SEC24D is on the minus strand). VCF-style: chr4-118768287-C-T. GRCh37 (hg19) VCF-style: chr4-119689442-C-T.
Other names: c.1069G>A, p.Gly357Ser (NM_001318066.2); short protein forms G356S, G357S.
Identifiers: ClinVar variation 1390134 (VCV001390134.6), dbSNP rs781619219, ClinGen allele CA3057350.
Genomic context (GRCh38, chr4:118,768,287, plus strand): 5'-ACTGCATAAATGGGCACATGTAGGCCTTGCACCTGTTGCATCTGACTGGTCCACTCTCGC[C>T]GTGATTTACCAAGTAAAGGGGACTCTATGGAGAAGCAAGAAAAATTAAATGAACAGGTGA-3'
Protein context (NP_055637.2, residues 346-366): NESPLYLVNH[Gly356Ser]ESGPVRCNRC